The following is an entry in ClinVar:

NM_178857.6(RP1L1):c.5533C>T (p.Gln1845Ter)

Gene: RP1L1 (RP1 like 1). Cytogenetic location: 8p23.1.
Variant type: single nucleotide variant.
Coding change: c.5533C>T on transcript NM_178857.6 (MANE Select); coding-DNA position 5533, C replaced by T.
Protein change: p.Gln1845Ter; replaces glutamine 1845 with a stop codon.
Molecular consequence: nonsense.
Genome position (GRCh38, 1-based): chr8:10,608,565, G>A on the plus strand (C>T on the coding strand, the complement: RP1L1 is on the minus strand). VCF-style: chr8-10608565-G-A. GRCh37 (hg19) VCF-style: chr8-10466075-G-A.
Other names: short protein forms Q1845*.
Identifiers: ClinVar variation 4849492 (VCV004849492.2).
Genomic context (GRCh38, chr8:10,608,565, plus strand): 5'-CTTCAGCCTCCTGGGCATCCCCTTCTGCCTCTGGGGCCTCTACACCTTCTGACTCTGGCT[G>A]GGCCTCCCCTTCAGCCTCCGGGGCCTCTATGCCTTCGGCCCCATCACTCTGTCCTGGATC-3'

ClinVar aggregate classification (germline): Conflicting classifications of pathogenicity. Review status: criteria provided, conflicting classifications (1 of 4 stars). 2 submissions from 2 submitters: Likely pathogenic (1); Uncertain significance (1). Last evaluated 2025-05-28.

Conditions:
Retinitis pigmentosa 88. Identifiers: MedGen C5394208, MONDO:0032940, OMIM 618826.

gnomAD v4.1: 10 of 1,610,418 alleles (0.00062%); highest among the groups gnomAD compares: Middle Eastern, 0.049%; no homozygotes.

Submissions (2):

First Genomix Gene Laboratory, Genetic Diagnostics Department
Classification: Likely pathogenic for Retinitis pigmentosa 88. Last evaluated: 2025-05-28. Review status: criteria provided, single submitter. Criteria: ACMG Guidelines, 2015. Collection method: clinical testing. Allele origin: germline. Inheritance: Autosomal recessive inheritance. Affected: no. Observed: 1 variant allele.

Blueprint Genetics
Classification: Uncertain significance. Last evaluated: 2024-06-11. Review status: criteria provided, single submitter. Criteria: ACMG Guidelines, 2015. Collection method: clinical testing. Allele origin: germline.